The following is an entry in ClinVar:

ClinVar aggregate classification (germline): Uncertain significance. Review status: criteria provided, multiple submitters, no conflicts (2 of 4 stars). 2 submissions from 2 submitters: Uncertain significance (2). Last evaluated 2026-02-18.

Conditions:
DICER1-related tumor predisposition. Also called: DICER1-related pleuropulmonary blastoma cancer predisposition syndrome; DICER1 syndrome. Identifiers: Orphanet 284343, MedGen C3839822, MONDO:0100216.
Hereditary cancer-predisposing syndrome. Also called: Tumor predisposition; Neoplastic Syndromes, Hereditary; Hereditary Cancer Syndrome; Hereditary neoplastic syndrome. Identifiers: Orphanet 140162, MedGen C0027672, MeSH D009386, MONDO:0015356.

Submissions (2):

Ambry Genetics
Classification: Uncertain significance for Hereditary cancer-predisposing syndrome. Last evaluated: 2026-02-18. Review status: criteria provided, single submitter. Criteria: Ambry Variant Classification Scheme 2023. Collection method: clinical testing. Allele origin: germline.
Comment: The p.A1627V variant (also known as c.4880C>T), located in coding exon 22 of the DICER1 gene, results from a C to T substitution at nucleotide position 4880. The alanine at codon 1627 is replaced by valine, an amino acid with similar properties. This amino acid position is not well conserved in available vertebrate species. In addition, this alteration is predicted to be tolerated by in silico analysis. Based on the available evidence, the clinical significance of this variant remains unclear.

Labcorp Genetics (formerly Invitae), Labcorp
Classification: Uncertain significance for DICER1-related tumor predisposition. Last evaluated: 2022-12-26. Review status: criteria provided, single submitter. Criteria: Invitae Variant Classification Sherloc (09022015). Collection method: clinical testing. Allele origin: germline.
Comment: Algorithms developed to predict the effect of missense changes on protein structure and function output the following: SIFT: "Tolerated"; PolyPhen-2: "Benign"; Align-GVGD: "Class C0". The valine amino acid residue is found in multiple mammalian species, which suggests that this missense change does not adversely affect protein function. In summary, the available evidence is currently insufficient to determine the role of this variant in disease. Therefore, it has been classified as a Variant of Uncertain Significance. This variant has not been reported in the literature in individuals affected with DICER1-related conditions. This variant is not present in population databases (gnomAD no frequency). This sequence change replaces alanine, which is neutral and non-polar, with valine, which is neutral and non-polar, at codon 1627 of the DICER1 protein (p.Ala1627Val).

NM_177438.3(DICER1):c.4880C>T (p.Ala1627Val)

Gene: DICER1 (dicer 1, ribonuclease III; minus strand). Cytogenetic location: 14q32.13.
Variant type: single nucleotide variant.
Coding change: c.4880C>T on transcript NM_177438.3 (MANE Select); coding-DNA position 4880, C replaced by T.
Protein change: p.Ala1627Val; replaces alanine 1627 with valine.
Molecular consequence: missense variant. On other transcripts: non-coding transcript variant (6).
Genome position (GRCh38, 1-based): chr14:95,096,040, G>A on the plus strand (C>T on the coding strand, the complement: DICER1 is on the minus strand). VCF-style: chr14-95096040-G-A. GRCh37 (hg19) VCF-style: chr14-95562377-G-A.
Other names: c.4880C>T, p.Ala1627Val (NM_001195573.1, NM_001271282.3, NM_001291628.2 and 13 more transcripts); c.4598C>T, p.Ala1533Val (NM_001395686.1); c.4475C>T, p.Ala1492Val (NM_001395687.1, NM_001395688.1, NM_001395689.1 and 2 more transcripts); c.4313C>T, p.Ala1438Val (NM_001395691.1); c.3197C>T, p.Ala1066Val (NM_001395697.1); short protein forms A1533V, A1492V, A1066V, A1438V, A1627V.
Identifiers: ClinVar variation 2819064 (VCV002819064.4), dbSNP rs2139841258, ClinGen allele CA390866531.